The following is an entry in ClinVar:

NM_000297.4(PKD2):c.445C>A (p.His149Asn)

Genes: PKD2 (polycystin 2, transient receptor potential cation channel; plus strand), LOC129992813 (ATAC-STARR-seq lymphoblastoid silent region 15559; plus strand). Cytogenetic location: 4q22.1.
Variant type: single nucleotide variant.
Coding change: c.445C>A on transcript NM_000297.4 (MANE Select); coding-DNA position 445, C replaced by A.
Protein change: p.His149Asn; replaces histidine 149 with asparagine.
Molecular consequence: missense variant. On other transcripts: non-coding transcript variant (1).
Genome position (GRCh38, 1-based): chr4:88,008,178, C>A. VCF-style: chr4-88008178-C-A. GRCh37 (hg19) VCF-style: chr4-88929330-C-A.
Other names: c.445C>A, p.His149Asn (NM_001440544.1); short protein forms H149N.
Identifiers: ClinVar variation 4729751 (VCV004729751.1).

ClinVar aggregate classification (germline): Uncertain significance (1 of 4 stars; one submission).

Conditions:
Autosomal dominant polycystic kidney disease. Identifiers: Orphanet 730, MedGen C0085413, MONDO:0004691.

Submission:

Labcorp Genetics (formerly Invitae), Labcorp
Classification: Uncertain significance for Autosomal dominant polycystic kidney disease. Last evaluated: 2025-10-23. Review status: criteria provided, single submitter. Criteria: Invitae Variant Classification Sherloc (09022015). Collection method: clinical testing. Allele origin: germline.
Comment: This sequence change replaces histidine, which is basic and polar, with asparagine, which is neutral and polar, at codon 149 of the PKD2 protein (p.His149Asn). This variant is not present in population databases (gnomAD no frequency). This variant has not been reported in the literature in individuals affected with PKD2-related conditions. An algorithm developed to predict the effect of missense changes on protein structure and function (PolyPhen-2) suggests that this variant is likely to be tolerated. In summary, the available evidence is currently insufficient to determine the role of this variant in disease. Therefore, it has been classified as a Variant of Uncertain Significance.